The following is an entry in ClinVar:

ClinVar aggregate classification (germline): Conflicting classifications of pathogenicity. Review status: criteria provided, conflicting classifications (1 of 4 stars). 2 submissions from 2 submitters: Likely pathogenic (1); Uncertain significance (1). Last evaluated 2022-08-31.

Conditions:
Familial isolated restrictive cardiomyopathy. Identifiers: Orphanet 75249, MedGen C5680139, MONDO:0019150.
Hypertrophic cardiomyopathy 10. Also called: MYL2-Related Familial Hypertrophic Cardiomyopathy; CARDIOMYOPATHY, HYPERTROPHIC, MID-LEFT VENTRICULAR CHAMBER TYPE, 2. Identifiers: MedGen C1834460, MONDO:0012112, OMIM 608758.

Allele frequency attached by ClinVar (database versions not stated): TOPMed below 0.00001; gnomAD 0.00001.

Submissions (2):

Labcorp Genetics (formerly Invitae), Labcorp
Classification: Uncertain significance for Hypertrophic cardiomyopathy 10. Last evaluated: 2022-08-31. Review status: criteria provided, single submitter. Criteria: Invitae Variant Classification Sherloc (09022015). Collection method: clinical testing. Allele origin: germline.
Comment: In summary, the available evidence is currently insufficient to determine the role of this variant in disease. Therefore, it has been classified as a Variant of Uncertain Significance. Algorithms developed to predict the effect of sequence changes on RNA splicing suggest that this variant may disrupt the consensus splice site. ClinVar contains an entry for this variant (Variation ID: 444868). Disruption of the initiator codon has been observed in individual(s) with hypertrophic cardiomyopathy (PMID: 30297972). This variant is not present in population databases (gnomAD no frequency). This sequence change affects the initiator methionine of the MYL2 mRNA. The next in-frame methionine is located at codon 20.

Institute Of Molecular Biology And Genetics, Federal Almazov National Medical Research Centre
Classification: Likely pathogenic for Familial isolated restrictive cardiomyopathy. Last evaluated: 2017-05-15. Review status: criteria provided, single submitter. Criteria: ACMG Guidelines, 2015. Collection method: research. Allele origin: germline. Inheritance: Autosomal recessive inheritance. Affected: yes. Observed: 1 variant allele, 1 homozygote.

Literature cited by the submitters: PubMed 30297972 (cited by Labcorp Genetics (formerly Invitae), Labcorp).

NM_000432.4(MYL2):c.3G>A (p.Met1Ile)

Genes: MYL2 (myosin light chain 2; minus strand), LOC114827850 (VISTA enhancer hs2149; plus strand). Cytogenetic location: 12q24.11.
Variant type: single nucleotide variant.
Coding change: c.3G>A on transcript NM_000432.4 (MANE Select); coding-DNA position 3, G replaced by A.
Protein change: p.Met1Ile; changes the start codon (methionine 1).
Molecular consequence: missense variant, initiator codon variant.
Genome position (GRCh38, 1-based): chr12:110,920,527, C>T on the plus strand (G>A on the coding strand, the complement: MYL2 is on the minus strand). VCF-style: chr12-110920527-C-T. GRCh37 (hg19) VCF-style: chr12-111358331-C-T.
Other names: short protein forms M1I.
Identifiers: ClinVar variation 444868 (VCV000444868.13), dbSNP rs1555258369, ClinGen allele CA386700390.